The following is an entry in ClinVar:

NM_001350162.2(TEX15):c.2248T>C (p.Leu750=)

Gene: TEX15 (testis expressed 15, meiosis and synapsis associated; minus strand). Cytogenetic location: 8p12.
Variant type: single nucleotide variant.
Coding change: c.2248T>C on transcript NM_001350162.2 (MANE Select); coding-DNA position 2248, T replaced by C.
Protein change: p.Leu750=; no amino-acid change (leucine 750 retained).
Molecular consequence: synonymous variant.
Genome position (GRCh38, 1-based): chr8:30,847,919, A>G on the plus strand (T>C on the coding strand, the complement: TEX15 is on the minus strand). VCF-style: chr8-30847919-A-G. GRCh37 (hg19) VCF-style: chr8-30705435-A-G.
Other names: c.1099T>C (NM_031271.3).
Identifiers: ClinVar variation 4981542 (VCV004981542.1).

ClinVar aggregate classification (germline): Likely benign (1 of 4 stars; one submission).

Conditions:
TEX15-related disorder. Also called: TEX15-related condition.

gnomAD v4.1: 1,665 of 1,613,898 alleles (0.1%); highest among the groups gnomAD compares: Non-Finnish European, 0.12%; 2 homozygotes.

Submission:

PreventionGenetics, part of Exact Sciences
Classification: Likely benign for TEX15-related condition. Last evaluated: 2026-02-04. Review status: criteria provided, single submitter. Criteria: ACMG Guidelines, 2015. Collection method: clinical testing. Allele origin: germline.
Comment: This variant is classified as likely benign based on ACMG/AMP sequence variant interpretation guidelines (Richards et al. 2015 PMID: 25741868, with internal and published modifications).